The following is an entry in ClinVar:

ClinVar aggregate classification (germline): Pathogenic/Likely pathogenic. Review status: criteria provided, multiple submitters, no conflicts (2 of 4 stars). 21 submissions from 21 submitters: Pathogenic (16); Likely pathogenic (1). 4 of the submissions do not count toward it. Last evaluated 2026-01-30.

Conditions:
NAGLU-related disorder. Also called: NAGLU-related condition.
Lysosomal storage disease. Also called: Lysosomal storage disorder. Identifiers: Orphanet 68366, MedGen C0085078, MONDO:0002561.
Mucopolysaccharidosis, MPS-III-B (MPS3B). Also called: MPS IIIB (Sanfilippo Syndrome Type B); N-ACETYL-ALPHA-D-GLUCOSAMINIDASE DEFICIENCY; NAGLU DEFICIENCY; Mucopolysaccharidosis type IIIB (Sanfilippo B); SANFILIPPO SYNDROME B; MPS III B. Identifiers: Orphanet 79270, MedGen C0086648, MONDO:0009656, OMIM 252920.
Charcot-Marie-Tooth disease axonal type 2V. Also called: CHARCOT-MARIE-TOOTH DISEASE, AXONAL, AUTOSOMAL DOMINANT, TYPE 2V; CHARCOT-MARIE-TOOTH NEUROPATHY, TYPE 2V. Identifiers: Orphanet 447964, MedGen C5569050, MONDO:0014665, OMIM 616491.
Mucopolysaccharidosis. Also called: Mucopolysaccharidoses. Identifiers: Orphanet 79213, MedGen C0026703, MeSH D009083, MONDO:0019249.

Allele frequency attached by ClinVar (database versions not stated): ExAC 0.00002; gnomAD exomes 0.00006 and 0.00014; TOPMed 0.00009; gnomAD 0.00010.
gnomAD v4.1: 220 of 1,614,028 alleles (0.014%); highest among the groups gnomAD compares: Non-Finnish European, 0.017%; no homozygotes.

Submissions 1 to 13 of 22:

Natera, Inc.
Classification: Pathogenic for Mucopolysaccharidosis type IIIB. Last evaluated: 2026-01-30. Review status: criteria provided, single submitter. Criteria: Natera Variant Classification Schema (03/2026). Collection method: clinical testing. Allele origin: germline.
Comment: The c.889C>T variant in NAGLU is a nonsense variant predicted to introduce a stop codon at amino acid 297. This variant is expected to result in nonsense mediated decay, truncation, or a dysfunctional protein product. This variant is rare in the general population with a frequency below the threshold expected for the associated phenotype(s). This variant has been observed in one or more individuals affected with the associated recessive disease, as either homozygous or compound heterozygous with a second variant (PMID: 26907177). Given the available evidence, this variant is classified as Pathogenic.

Labcorp Genetics (formerly Invitae), Labcorp
Classification: Pathogenic for Charcot-Marie-Tooth disease axonal type 2V; Mucopolysaccharidosis, MPS-III-B. Last evaluated: 2026-01-13. Review status: criteria provided, single submitter. Criteria: Invitae Variant Classification Sherloc (09022015). Collection method: clinical testing. Allele origin: germline.
Comment: This sequence change creates a premature translational stop signal (p.Arg297*) in the NAGLU gene. It is expected to result in an absent or disrupted protein product. Loss-of-function variants in NAGLU are known to be pathogenic (PMID: 9832037, 10094189, 16151907). This variant is present in population databases (rs104894592, gnomAD 0.01%). This premature translational stop signal has been observed in individual(s) with mucopolysaccharidosis type III (PMID: 22976768, 28836185). ClinVar contains an entry for this variant (Variation ID: 1562). For these reasons, this variant has been classified as Pathogenic.

Genetics Laboratory, Great Ormond Street Hospital NHS Foundation Trust, North Thames Genomic Laboratory Hub
Classification: Pathogenic for Lysosomal storage disorder. Last evaluated: 2025-09-15. Review status: criteria provided, single submitter. Criteria: ACGS Best Practice Guidelines for Variant Classification in Rare Disease 2024 v1.2. Collection method: clinical testing. Allele origin: germline. Affected: yes.
Comment: PVS1_very-strong, PM3_moderate, PP4_strong

Victorian Clinical Genetics Services, Murdoch Childrens Research Institute
Classification: Pathogenic for Mucopolysaccharidosis, MPS-III-B. Last evaluated: 2025-06-23. Review status: criteria provided, single submitter. Criteria: ACMG Guidelines, 2015. Collection method: clinical testing. Allele origin: germline. Affected: yes.
Comment: This variant is classified as Pathogenic. Evidence in support of pathogenic classification: Variant is predicted to cause nonsense-mediated decay (NMD) and loss of protein (premature termination codon is located at least 54 nucleotides upstream of the final exon-exon junction); Variant is present in gnomAD <0.01 for a recessive condition (v4: 220 heterozygote(s), 0 homozygote(s)); This variant has strong previous evidence of pathogenicity in unrelated individuals. This variant has been classified as pathogenic and likely pathogenic by multiple clinical laboratories in ClinVar; Other NMD-predicted variant(s) comparable to the one identified in this case have very strong previous evidence for pathogenicity (DECIPHER). Additional information: This variant is heterozygous; This gene is associated with both recessive and dominant disease; however, the dominant association to CMT is not well established (PanelApp, OMIM); Loss of function is a known mechanism of disease in this gene and is associated with Mucopolysaccharidosis type IIIB (Sanfilippo B) (MIM#252920). The mechanism for Charcot-Marie-Tooth disease, axonal, type 2V (CMT; MIM#616491) is unclear; Heterozygous variant detected in trans with a second PATHOGENIC heterozygous variant (NM_000263.4(NAGLU):c.1004A>G; p.(Tyr335Cys)) in a recessive disease.

3billion
Classification: Pathogenic for Mucopolysaccharidosis, MPS-III-B. Last evaluated: 2024-06-28. Review status: criteria provided, single submitter. Criteria: ACMG Guidelines, 2015. Collection method: clinical testing. Allele origin: germline. Affected: yes.
Comment: The variant is observed at an extremely low frequency in the gnomAD v4.0.0 dataset (total allele frequency: 0.014%). Predicted Consequence/Location: Stop-gained (nonsense): predicted to result in a loss or disruption of normal protein function through nonsense-mediated decay (NMD) or protein truncation. Multiple pathogenic variants are reported downstream of the variant. The variant has been reported at least twice as pathogenic with clinical assertions and evidence for the classification (ClinVar ID: VCV000001562 /3billion dataset). Therefore, this variant is classified as Pathogenic according to the recommendation of ACMG/AMP guideline.

Genomic Medicine Center of Excellence, King Faisal Specialist Hospital and Research Centre
Classification: Pathogenic for Mucopolysaccharidosis, MPS-III-B. Last evaluated: 2024-03-17. Review status: criteria provided, single submitter. Criteria: ACMG Guidelines, 2015. Collection method: research. Allele origin: germline.

Blueprint Genetics
Classification: Pathogenic for NAGLU-related disorders. Last evaluated: 2023-10-27. Review status: criteria provided, single submitter. Criteria: ACMG Guidelines, 2015. Collection method: clinical testing. Allele origin: germline. Affected: yes. Observed: 5 variant alleles.

GeneDx
Classification: Pathogenic. Last evaluated: 2022-05-25. Review status: criteria provided, single submitter. Criteria: GeneDx Variant Classification Process June 2021. Collection method: clinical testing. Allele origin: germline. Affected: yes.
Comment: Reported as a common pathogenic variant in association with MPSIIIB (Pollard et al., 2013); Nonsense variant predicted to result in protein truncation or nonsense mediated decay in a gene for which loss-of-function is a known mechanism of disease; Published functional studies demonstrate when R297X is expressed in CHO-K1 cells, only a truncated polypeptide that is rapidly degraded is observed, suggesting that the variant transcript undergoes nonsense-mediated mRNA decay, and no detectable enzyme activity is present (Yogalingam et al., 2000); Not observed at significant frequency in large population cohorts (gnomAD); This variant is associated with the following publications: (PMID: 23084433, 25525159, 20852935, 9832037, 8650226, 29979746, 29620724, 9443875, 11068184, 22976768, 26907177, 10094189, 25256447, 28751108, 28836185, 32578945, 31980526)

Greenwood Genetic Center Diagnostic Laboratories, Greenwood Genetic Center
Classification: Pathogenic for Mucopolysaccharidosis, MPS-III-B. Last evaluated: 2021-11-05. Review status: criteria provided, single submitter. Criteria: ACMG Guidelines, 2015. Collection method: clinical testing. Allele origin: germline. Affected: yes.
Comment: PVS1, PS3, PM2

Fulgent Genetics
Classification: Pathogenic for Mucopolysaccharidosis, MPS-III-B; Charcot-Marie-Tooth disease axonal type 2V. Last evaluated: 2021-10-14. Review status: criteria provided, single submitter. Criteria: ACMG Guidelines, 2015. Collection method: clinical testing. Allele origin: unknown.

Revvity Omics, Revvity
Classification: Pathogenic. Last evaluated: 2021-08-25. Review status: criteria provided, single submitter. Criteria: ACMG Guidelines, 2015. Collection method: clinical testing. Allele origin: germline.

Baylor Genetics
Classification: Pathogenic for Mucopolysaccharidosis, MPS-III-B. Last evaluated: 2020-10-30. Review status: criteria provided, single submitter. Criteria: ACMG Guidelines, 2015. Collection method: clinical testing. Allele origin: unknown. Affected: yes.
Comment: This variant was determined to be pathogenic according to ACMG Guidelines, 2015 [PMID:25741868].

CeGaT Center for Human Genetics Tuebingen
Classification: Likely pathogenic. Last evaluated: 2019-09-01. Review status: criteria provided, single submitter. Criteria: CeGaT Center For Human Genetics Tuebingen Variant Classification Criteria Version 2. Collection method: clinical testing. Allele origin: germline. Affected: yes. Observed: 2 variant alleles.

NM_000263.4(NAGLU):c.889C>T (p.Arg297Ter)

Gene: NAGLU (N-acetyl-alpha-glucosaminidase; plus strand). Cytogenetic location: 17q21.2.
Variant type: single nucleotide variant.
Coding change: c.889C>T on transcript NM_000263.4 (MANE Select); coding-DNA position 889, C replaced by T.
Protein change: p.Arg297Ter; replaces arginine 297 with a stop codon.
Molecular consequence: nonsense.
Genome position (GRCh38, 1-based): chr17:42,541,074, C>T. VCF-style: chr17-42541074-C-T. GRCh37 (hg19) VCF-style: chr17-40693092-C-T.
Other names: short protein forms R297*.
Identifiers: ClinVar variation 1562 (VCV000001562.83), dbSNP rs104894592, ClinGen allele CA115045.